The following is an entry in ClinVar:

ClinVar aggregate classification (germline): Uncertain significance. Review status: criteria provided, multiple submitters, no conflicts (2 of 4 stars). 3 submissions from 3 submitters: Uncertain significance (3). Last evaluated 2025-12-04.

Conditions:
Cardiovascular phenotype. Identifiers: MedGen CN230736.
Hypertrophic cardiomyopathy. Also called: HYPERTROPHIC MYOCARDIOPATHY. Identifiers: Orphanet 217569, MedGen C0007194, MeSH D002312, MONDO:0005045, HP:0001639.

Allele frequency attached by ClinVar (database versions not stated): TOPMed below 0.00001.

Submissions (3):

Ambry Genetics
Classification: Uncertain significance for Cardiovascular phenotype. Last evaluated: 2025-12-04. Review status: criteria provided, single submitter. Criteria: Ambry Variant Classification Scheme 2023. Collection method: clinical testing. Allele origin: germline.

Labcorp Genetics (formerly Invitae), Labcorp
Classification: Uncertain significance for Hypertrophic cardiomyopathy. Last evaluated: 2025-02-26. Review status: criteria provided, single submitter. Criteria: Invitae Variant Classification Sherloc (09022015). Collection method: clinical testing. Allele origin: germline.
Comment: This sequence change replaces valine, which is neutral and non-polar, with methionine, which is neutral and non-polar, at codon 166 of the MYBPC3 protein (p.Val166Met). This variant is not present in population databases (gnomAD no frequency). This variant has not been reported in the literature in individuals affected with MYBPC3-related conditions. ClinVar contains an entry for this variant (Variation ID: 846113). An algorithm developed to predict the effect of missense changes on protein structure and function (PolyPhen-2) suggests that this variant is likely to be disruptive. In summary, the available evidence is currently insufficient to determine the role of this variant in disease. Therefore, it has been classified as a Variant of Uncertain Significance.

All of Us Research Program, National Institutes of Health
Classification: Uncertain significance for Hypertrophic cardiomyopathy. Last evaluated: 2024-08-07. Review status: criteria provided, single submitter. Criteria: ACMG Guidelines, 2015. Collection method: clinical testing. Allele origin: germline. Inheritance: Autosomal dominant inheritance. Observed: 1 variant allele, 1 heterozygote.
Comment: This study involves interpretation of variants in research participants for the purpose of population health screening. Participant phenotype was not available at the time of variant classification. Additional details can be found in publication PMID: 35346344, PMCID: PMC8962531

NM_000256.3(MYBPC3):c.496G>A (p.Val166Met)

Gene: MYBPC3 (myosin binding protein C3; minus strand). Cytogenetic location: 11p11.2.
Variant type: single nucleotide variant.
Coding change: c.496G>A on transcript NM_000256.3 (MANE Select); coding-DNA position 496, G replaced by A.
Protein change: p.Val166Met; replaces valine 166 with methionine.
Molecular consequence: missense variant.
Genome position (GRCh38, 1-based): chr11:47,350,023, C>T on the plus strand (G>A on the coding strand, the complement: MYBPC3 is on the minus strand). VCF-style: chr11-47350023-C-T. GRCh37 (hg19) VCF-style: chr11-47371574-C-T.
Other names: short protein forms V166M.
Identifiers: ClinVar variation 846113 (VCV000846113.14), dbSNP rs2095898844, ClinGen allele CA380338395.